The following is an entry in ClinVar:

ClinVar aggregate classification (germline): Uncertain significance (1 of 4 stars; one submission).

Submission:

Labcorp Genetics (formerly Invitae), Labcorp
Classification: Uncertain significance. Last evaluated: 2023-12-22. Review status: criteria provided, single submitter. Criteria: Invitae Variant Classification Sherloc (09022015). Collection method: clinical testing. Allele origin: germline.
Comment: This sequence change replaces arginine, which is basic and polar, with glycine, which is neutral and non-polar, at codon 491 of the MTOR protein (p.Arg491Gly). This variant is not present in population databases (gnomAD no frequency). This variant has not been reported in the literature in individuals affected with MTOR-related conditions. Advanced modeling of protein sequence and biophysical properties (such as structural, functional, and spatial information, amino acid conservation, physicochemical variation, residue mobility, and thermodynamic stability) performed at Invitae indicates that this missense variant is not expected to disrupt MTOR protein function with a negative predictive value of 95%. In summary, the available evidence is currently insufficient to determine the role of this variant in disease. Therefore, it has been classified as a Variant of Uncertain Significance.

NM_004958.4(MTOR):c.1471C>G (p.Arg491Gly)

Gene: MTOR (mechanistic target of rapamycin kinase; minus strand). Cytogenetic location: 1p36.22.
Variant type: single nucleotide variant.
Coding change: c.1471C>G on transcript NM_004958.4 (MANE Select); coding-DNA position 1471, C replaced by G.
Protein change: p.Arg491Gly; replaces arginine 491 with glycine.
Molecular consequence: missense variant.
Genome position (GRCh38, 1-based): chr1:11,241,623, G>C on the plus strand (C>G on the coding strand, the complement: MTOR is on the minus strand). VCF-style: chr1-11241623-G-C. GRCh37 (hg19) VCF-style: chr1-11301680-G-C.
Other names: c.1471C>G, p.Arg491Gly (NM_001386500.1); c.223C>G, p.Arg75Gly (NM_001386501.1); short protein forms R75G, R491G.
Identifiers: ClinVar variation 2915731 (VCV002915731.3), dbSNP rs2100915142, ClinGen allele CA338395020.
Genomic context (GRCh38, chr1:11,241,623, plus strand): 5'-CTGCCAGCATGGGCTCCAGCAGCTCCTTGATATCCTGCTGGATGCCTGGCCCCATTGCTC[G>C]AGCCAGCATGCTGATGCAAGTGAAGACTGTGGCATCCACCTGCATTGCCTTCTGCCTCCT-3'
Protein context (NP_004949.1, residues 481-501): TVFTCISMLA[Arg491Gly]AMGPGIQQDI